The following is an entry in ClinVar:

ClinVar aggregate classification (germline): Likely benign. Review status: criteria provided, multiple submitters, no conflicts (2 of 4 stars). 2 submissions from 2 submitters: Likely benign (2). Last evaluated 2026-07-05.

Conditions:
Primary ciliary dyskinesia. Also called: Ciliary dyskinesia. Identifiers: Orphanet 244, MedGen C0008780, MONDO:0016575, HP:0012265.
DNAH11-related disorder. Also called: DNAH11-related condition.

Allele frequency attached by ClinVar (database versions not stated): gnomAD 0.00001; gnomAD exomes 0.00004; 1000 Genomes Project 30x 0.00016; 1000 Genomes Project 0.00020; ExAC 0.00020.
gnomAD v4.1: 62 of 1,597,830 alleles (0.0039%); highest among the groups gnomAD compares: South Asian, 0.064%; no homozygotes.

Submissions (2):

PreventionGenetics, part of Exact Sciences
Classification: Likely benign for DNAH11-related condition. Last evaluated: 2026-07-05. Review status: criteria provided, single submitter. Criteria: ACMG Guidelines, 2015. Collection method: clinical testing. Allele origin: germline.
Comment: This variant is classified as likely benign based on ACMG/AMP sequence variant interpretation guidelines (Richards et al. 2015 PMID: 25741868, with internal and published modifications).

Labcorp Genetics (formerly Invitae), Labcorp
Classification: Likely benign for Primary ciliary dyskinesia. Last evaluated: 2024-01-25. Review status: criteria provided, single submitter. Criteria: Invitae Variant Classification Sherloc (09022015). Collection method: clinical testing. Allele origin: germline.

NM_001277115.2(DNAH11):c.8510+10C>T

Gene: DNAH11 (dynein axonemal heavy chain 11; plus strand). Cytogenetic location: 7p15.3.
Variant type: single nucleotide variant.
Coding change: c.8510+10C>T on transcript NM_001277115.2 (MANE Select); 10 bases into the intron after coding-DNA position 8510, C replaced by T.
Molecular consequence: intron variant.
Genome position (GRCh38, 1-based): chr7:21,745,073, C>T. VCF-style: chr7-21745073-C-T. GRCh37 (hg19) VCF-style: chr7-21784691-C-T.
Other names: c.8510+10C>T (NM_001277115.1).
Identifiers: ClinVar variation 2854389 (VCV002854389.4), dbSNP rs544786328, ClinGen allele CA4181602.
Genomic context (GRCh38, chr7:21,745,073, plus strand): 5'-ACTAAATGCTGCCATGCACCTAGTTTTGTTTGAAGATGCCATGCAACATGTGTGAGTTAA[C>T]TAGTCACGATGCTTTTCCACAAAAGGAAGAATGGCTGGATATCCACTACTGTCATTTTTC-3'